The following is an entry in ClinVar:

NM_005263.5(GFI1):c.323C>T (p.Ser108Leu)

Gene: GFI1 (growth factor independent 1 transcriptional repressor; minus strand). Cytogenetic location: 1p22.1.
Variant type: single nucleotide variant.
Coding change: c.323C>T on transcript NM_005263.5 (MANE Select); coding-DNA position 323, C replaced by T.
Protein change: p.Ser108Leu; replaces serine 108 with leucine.
Molecular consequence: missense variant.
Genome position (GRCh38, 1-based): chr1:92,481,064, G>A on the plus strand (C>T on the coding strand, the complement: GFI1 is on the minus strand). VCF-style: chr1-92481064-G-A. GRCh37 (hg19) VCF-style: chr1-92946621-G-A.
Other names: c.323C>T, p.Ser108Leu (NM_001127215.3, NM_001127216.3); short protein forms S108L.
Identifiers: ClinVar variation 3614139 (VCV003614139.2).

ClinVar aggregate classification (germline): Uncertain significance (1 of 4 stars; one submission).

Conditions:
Neutropenia, severe congenital, 2, autosomal dominant. Identifiers: Orphanet 486, MedGen C2751288, MONDO:0013139, OMIM 613107.

Submission:

Labcorp Genetics (formerly Invitae), Labcorp
Classification: Uncertain significance for Neutropenia, severe congenital, 2, autosomal dominant. Last evaluated: 2024-02-10. Review status: criteria provided, single submitter. Criteria: Invitae Variant Classification Sherloc (09022015). Collection method: clinical testing. Allele origin: germline.
Comment: This sequence change replaces serine, which is neutral and polar, with leucine, which is neutral and non-polar, at codon 108 of the GFI1 protein (p.Ser108Leu). This variant is present in population databases (no rsID available, gnomAD 0.007%). This variant has not been reported in the literature in individuals affected with GFI1-related conditions. Advanced modeling of protein sequence and biophysical properties (such as structural, functional, and spatial information, amino acid conservation, physicochemical variation, residue mobility, and thermodynamic stability) performed at Invitae indicates that this missense variant is not expected to disrupt GFI1 protein function with a negative predictive value of 80%. In summary, the available evidence is currently insufficient to determine the role of this variant in disease. Therefore, it has been classified as a Variant of Uncertain Significance.